The following is an entry in ClinVar:

ClinVar aggregate classification (germline): Likely benign (1 of 4 stars; one submission).

Allele frequency attached by ClinVar (database versions not stated): gnomAD exomes 0.00084; gnomAD 0.00837 and 0.00908; 1000 Genomes Project 0.00839; 1000 Genomes Project 30x 0.00921; TOPMed 0.00951.
gnomAD v4.1: 1,970 of 932,018 alleles (0.21%); highest among the groups gnomAD compares: African/African-American, 2.8%; 23 homozygotes.

Submission:

GeneDx
Classification: Likely benign. Last evaluated: 2018-06-16. Review status: criteria provided, single submitter. Criteria: GeneDx Variant Classification (06012015). Collection method: clinical testing. Allele origin: germline. Affected: yes.
Comment: This variant is considered likely benign or benign based on one or more of the following criteria: it is a conservative change, it occurs at a poorly conserved position in the protein, it is predicted to be benign by multiple in silico algorithms, and/or has population frequency not consistent with disease.

NM_001134363.3(RBM20):c.1275+148T>C

Gene: RBM20 (RNA binding motif protein 20; plus strand). Cytogenetic location: 10q25.2.
Variant type: single nucleotide variant.
Coding change: c.1275+148T>C on transcript NM_001134363.3 (MANE Select); 148 bases into the intron after coding-DNA position 1275, T replaced by C.
Molecular consequence: intron variant.
Genome position (GRCh38, 1-based): chr10:110,782,032, T>C. VCF-style: chr10-110782032-T-C. GRCh37 (hg19) VCF-style: chr10-112541790-T-C.
Identifiers: ClinVar variation 671442 (VCV000671442.1), dbSNP rs145968231, ClinGen allele CA213235275.
Genomic context (GRCh38, chr10:110,782,032, plus strand): 5'-GGAACTGTTGCATTGGGGTAACAGAATTTTGCCATCAGTATTCTTGACTAAAATCACAGG[T>C]ATTAGGACCCATAGGAATTTCAGAAATGTATCAGGACCAGTCCCTTGCTTGAAGGTGAGT-3'